The following is an entry in ClinVar:

ClinVar aggregate classification (germline): Likely benign. Review status: criteria provided, multiple submitters, no conflicts (2 of 4 stars). 2 submissions from 2 submitters: Likely benign (2). Last evaluated 2026-08-01.

gnomAD v4.1: 10 of 1,613,592 alleles (0.00062%); highest among the groups gnomAD compares: East Asian, 0.0022%; no homozygotes.

Submissions (2):

CeGaT Center for Human Genetics Tuebingen
Classification: Likely benign. Last evaluated: 2026-08-01. Review status: criteria provided, single submitter. Criteria: CeGaT Center For Human Genetics Tuebingen Variant Classification Criteria Version 2. Collection method: clinical testing. Allele origin: germline. Affected: yes. Observed: 1 variant allele.
Comment: SPTBN1: BP4, BP7

Blueprint Genetics
Classification: Likely benign. Last evaluated: 2023-12-08. Review status: criteria provided, single submitter. Criteria: ACMG Guidelines, 2015. Collection method: clinical testing. Allele origin: germline.

NM_003128.3(SPTBN1):c.6786C>T (p.Cys2262=)

Genes: SPTBN1-AS2 (SPTBN1 antisense RNA 2; minus strand), SPTBN1 (spectrin beta, non-erythrocytic 1; plus strand). Cytogenetic location: 2p16.2.
Variant type: single nucleotide variant.
Coding change: c.6786C>T on transcript NM_003128.3 (MANE Select); coding-DNA position 6786, C replaced by T.
Protein change: p.Cys2262=; no amino-acid change (cysteine 2262 retained).
Molecular consequence: synonymous variant.
Genome position (GRCh38, 1-based): chr2:54,666,041, C>T. VCF-style: chr2-54666041-C-T. GRCh37 (hg19) VCF-style: chr2-54893178-C-T.
Identifiers: ClinVar variation 4955178 (VCV004955178.2).